The following is an entry in ClinVar:

NM_002769.5(PRSS1):c.535A>C (p.Ile179Leu)

Genes: TRB (T cell receptor beta locus; plus strand), PRSS1 (serine protease 1; plus strand). Cytogenetic location: 7q34.
Variant type: single nucleotide variant.
Coding change: c.535A>C on transcript NM_002769.5 (MANE Select); coding-DNA position 535, A replaced by C.
Protein change: p.Ile179Leu; replaces isoleucine 179 with leucine.
Molecular consequence: missense variant. On other transcripts: non-coding transcript variant (5).
Genome position (GRCh38, 1-based): chr7:142,752,511, A>C. VCF-style: chr7-142752511-A-C. GRCh37 (hg19) VCF-style: chr7-142460362-A-C.
Other names: short protein forms I179L.
Identifiers: ClinVar variation 1747043 (VCV001747043.2), dbSNP rs1386024325, ClinGen allele CA369610282.

ClinVar aggregate classification (germline): Uncertain significance (1 of 4 stars; one submission).

Conditions:
Hereditary pancreatitis (PCTT). Also called: Hereditary chronic pancreatitis; PRSS1-Related Hereditary Pancreatitis. Identifiers: Orphanet 676, MedGen C0238339, MONDO:0008185, OMIM 167800.

Allele frequency attached by ClinVar (database versions not stated): TOPMed below 0.00001.
gnomAD v4.1: 1 of 1,614,200 alleles (0.000062%); highest among the groups gnomAD compares: Non-Finnish European, 0.000085%; no homozygotes.

Submission:

Ambry Genetics
Classification: Uncertain significance for Hereditary pancreatitis. Last evaluated: 2021-06-25. Review status: criteria provided, single submitter. Criteria: Ambry Variant Classification Scheme 2023. Collection method: clinical testing. Allele origin: germline.
Comment: The p.I179L variant (also known as c.535A>C), located in coding exon 4 of the PRSS1 gene, results from an A to C substitution at nucleotide position 535. The isoleucine at codon 179 is replaced by leucine, an amino acid with highly similar properties. This amino acid position is conserved. In addition, the in silico prediction for this alteration is inconclusive. Since supporting evidence is limited at this time, the clinical significance of this alteration remains unclear.